The following is an entry in ClinVar:

NM_000051.4(ATM):c.5352C>T (p.Asn1784=)

Gene: ATM (ATM serine/threonine kinase; plus strand). Cytogenetic location: 11q22.3.
Variant type: single nucleotide variant.
Coding change: c.5352C>T on transcript NM_000051.4 (MANE Select); coding-DNA position 5352, C replaced by T.
Protein change: p.Asn1784=; no amino-acid change (asparagine 1784 retained).
Molecular consequence: synonymous variant.
Genome position (GRCh38, 1-based): chr11:108,302,885, C>T. VCF-style: chr11-108302885-C-T. GRCh37 (hg19) VCF-style: chr11-108173612-C-T.
Other names: c.5352C>T, p.Asn1784= (NM_001351834.2).
Identifiers: ClinVar variation 183764 (VCV000183764.33), dbSNP rs140641762, ClinGen allele CA186379.

ClinVar aggregate classification (germline): Conflicting classifications of pathogenicity. Review status: criteria provided, conflicting classifications (1 of 4 stars). 13 submissions from 13 submitters: Uncertain significance (1); Benign (1); Likely benign (10). 1 of the submissions does not count toward it. Last evaluated 2026-02-03.

Conditions:
ATM-related disorder. Also called: ATM-related disorders; ATM-related condition.
Hereditary cancer-predisposing syndrome. Also called: Tumor predisposition; Neoplastic Syndromes, Hereditary; Hereditary neoplastic syndrome; Hereditary Cancer Syndrome. Identifiers: Orphanet 140162, MedGen C0027672, MeSH D009386, MONDO:0015356.
Familial cancer of breast. Also called: BREAST CANCER, FAMILIAL; hereditary breast carcinoma; Hereditary breast cancer. Identifiers: Orphanet 227535, MedGen C0346153, MONDO:0016419, OMIM 114480. Disease mechanism: loss of function.
Ataxia-telangiectasia syndrome (AT). Also called: LOUIS-BAR SYNDROME; Ataxia-telangiectasia, complementation group D; AT, COMPLEMENTATION GROUP C; ATAXIA-TELANGIECTASIA, COMPLEMENTATION GROUP A; ATAXIA-TELANGIECTASIA, FRESNO VARIANT; Ataxia-telangiectasia. Identifiers: Orphanet 100, MedGen C0004135, MONDO:0008840, OMIM 208900.

Allele frequency attached by ClinVar (database versions not stated): ExAC 0.00003; gnomAD exomes 0.00004; gnomAD 0.00005 and 0.00006; TOPMed 0.00006; ESP Exome Variant Server 0.00008.
gnomAD v4.1: 76 of 1,612,908 alleles (0.0047%); highest among the groups gnomAD compares: Admixed American, 0.025%; 1 homozygote.

Submissions (13):

Labcorp Genetics (formerly Invitae), Labcorp
Classification: Likely benign for Ataxia-telangiectasia syndrome. Last evaluated: 2026-02-03. Review status: criteria provided, single submitter. Criteria: Invitae Variant Classification Sherloc (09022015). Collection method: clinical testing. Allele origin: germline.

Blueprint Genetics
Classification: Likely benign. Last evaluated: 2024-09-10. Review status: criteria provided, single submitter. Criteria: ACMG Guidelines, 2015. Collection method: clinical testing. Allele origin: germline.

Women's Health and Genetics/Laboratory Corporation of America, LabCorp
Classification: Likely benign. Last evaluated: 2024-07-16. Review status: criteria provided, single submitter. Criteria: LabCorp Variant Classification Summary - May 2015. Collection method: clinical testing. Allele origin: germline.

Myriad Genetics, Inc.
Classification: Benign for Familial cancer of breast. Last evaluated: 2024-05-23. Review status: criteria provided, single submitter. Criteria: Myriad Autosomal Dominant, Autosomal Recessive and X-Linked Classification Criteria (2023). Collection method: clinical testing. Allele origin: unknown.
Comment: This variant is considered benign. This variant is a silent/synonymous amino acid change and it is not expected to impact splicing.

Quest Diagnostics Nichols Institute San Juan Capistrano
Classification: Likely benign. Last evaluated: 2021-08-18. Review status: criteria provided, single submitter. Criteria: Quest Diagnostics criteria. Collection method: clinical testing. Allele origin: unknown.

GeneDx
Classification: Likely benign. Last evaluated: 2021-03-09. Review status: criteria provided, single submitter. Criteria: GeneDx Variant Classification Process June 2021. Collection method: clinical testing. Allele origin: germline. Affected: yes.
Comment: This variant is associated with the following publications: (PMID: 21933854)

Sema4
Classification: Likely benign for Hereditary cancer-predisposing syndrome. Last evaluated: 2021-01-31. Review status: criteria provided, single submitter. Criteria: Sema4 Curation Guidelines. Collection method: curation. Allele origin: germline.

Athena Diagnostics
Classification: Likely benign. Last evaluated: 2019-12-10. Review status: criteria provided, single submitter. Criteria: Athena Diagnostics Criteria. Collection method: clinical testing. Allele origin: unknown.

Mendelics
Classification: Likely benign for Ataxia-telangiectasia syndrome. Last evaluated: 2019-05-28. Review status: criteria provided, single submitter. Criteria: Mendelics Assertion Criteria 2017. Collection method: clinical testing. Allele origin: unknown.

Eurofins Ntd Llc (ga)
Classification: Uncertain significance. Last evaluated: 2018-04-10. Review status: criteria provided, single submitter. Criteria: EGL ClinVar v180209 classification definitions. Collection method: clinical testing. Allele origin: germline. Observed: 1 variant allele, 1 heterozygote.

Color Diagnostics, LLC DBA Color Health
Classification: Likely benign for Hereditary cancer-predisposing syndrome. Last evaluated: 2016-08-05. Review status: criteria provided, single submitter. Criteria: ACMG Guidelines, 2015. Collection method: clinical testing. Allele origin: germline.

Ambry Genetics
Classification: Likely benign for Hereditary cancer-predisposing syndrome. Last evaluated: 2015-05-08. Review status: criteria provided, single submitter. Criteria: Ambry Variant Classification Scheme 2023. Collection method: clinical testing. Allele origin: germline.

PreventionGenetics, part of Exact Sciences
Classification: Likely benign for ATM-related condition. Last evaluated: 2020-01-15. Review status: no assertion criteria provided. Collection method: clinical testing. Allele origin: germline. Not counted in ClinVar's aggregate classification.
Comment: This variant is classified as likely benign based on ACMG/AMP sequence variant interpretation guidelines (Richards et al. 2015 PMID: 25741868, with internal and published modifications).

Literature cited by the submitters: PubMed 21933854 (cited by Quest Diagnostics Nichols Institute San Juan Capistrano and Athena Diagnostics).